The following is an entry in ClinVar:

ClinVar aggregate classification (germline): Pathogenic/Likely pathogenic. Review status: criteria provided, multiple submitters, no conflicts (2 of 4 stars). 10 submissions from 10 submitters: Pathogenic (6); Likely pathogenic (2). 2 of the submissions do not count toward it. Last evaluated 2025-11-18.

Conditions:
Maple syrup urine disease type 1B (MSUD1B). Also called: MSUD type IB; MSUD type 3 (formerly); MSUD due to deficiency of e1-beta subunit of branched-chain alpha-keto acid dehydrogenase complex. Identifiers: MedGen C2930990, MONDO:0023692, OMIM 620698.
Maple syrup urine disease type 1A (MSUD1A). Also called: MSUD type 1A. Identifiers: MedGen C1855369, MONDO:0023691, OMIM 248600.
BCKDHB-related disorder. Also called: BCKDHB-related condition.
Maple syrup urine disease (MSUD). Identifiers: Orphanet 511, MedGen C0024776, MeSH D008375, MONDO:0009563. Disease mechanism: loss of function.

Allele frequency attached by ClinVar (database versions not stated): ExAC 0.00002; TOPMed 0.00003; gnomAD exomes 0.00004 and 0.00001; gnomAD 0.00001.
gnomAD v4.1: 21 of 1,613,730 alleles (0.0013%); highest among the groups gnomAD compares: Admixed American, 0.005%; no homozygotes.

Submissions (10):

Labcorp Genetics (formerly Invitae), Labcorp
Classification: Pathogenic for Maple syrup urine disease. Last evaluated: 2025-11-18. Review status: criteria provided, single submitter. Criteria: Invitae Variant Classification Sherloc (09022015). Collection method: clinical testing. Allele origin: germline.
Comment: This sequence change creates a premature translational stop signal (p.Arg387*) in the BCKDHB gene. While this is not anticipated to result in nonsense mediated decay, it is expected to disrupt the last 6 amino acid(s) of the BCKDHB protein. This variant is present in population databases (rs751599203, gnomAD 0.04%). This premature translational stop signal has been observed in individual(s) with Maple syrup urine disease (internal data). ClinVar contains an entry for this variant (Variation ID: 555909). Algorithms developed to predict the effect of sequence changes on RNA splicing suggest that this variant may disrupt the consensus splice site. For these reasons, this variant has been classified as Pathogenic.

Natera, Inc.
Classification: Pathogenic for Maple syrup urine disease type 1B. Last evaluated: 2025-07-17. Review status: criteria provided, single submitter. Criteria: Natera Variant Classification Schema (03/2026). Collection method: clinical testing. Allele origin: germline.
Comment: The c.1159C>T variant in BCKDHB is a nonsense variant predicted to introduce a stop codon at amino acid 387. This variant may result in a truncated or dysfunctional protein product. This variant is rare in the general population with a frequency below the threshold expected for the associated phenotype(s). This variant has been observed in one or more individuals affected with the associated recessive disease, as either homozygous or compound heterozygous with a second variant (PMID: 31980395, 30228974, 38837343, 35611242). Given the available evidence, this variant is classified as Pathogenic.

Women's Health and Genetics/Laboratory Corporation of America, LabCorp
Classification: Pathogenic for Maple syrup urine disease. Last evaluated: 2024-07-30. Review status: criteria provided, single submitter. Criteria: LabCorp Variant Classification Summary - May 2015. Collection method: clinical testing. Allele origin: germline.
Comment: Variant summary: BCKDHB c.1159C>T (p.Arg387X) results in a premature termination codon, predicted to cause a truncation of the encoded protein. While this variant is not expected to result in nonsense mediated decay, it is predicted to disrupt the last 6 amino acids of the protein. The variant allele was found at a frequency of 3.6e-05 in 251324 control chromosomes (gnomAD). c.1159C>T has been reported in the literature in both homozygous and compound heterozygous individuals affected with Maple Syrup Urine Disease (e.g., Ali_2018, Strauss_2020). These data indicate that the variant is likely to be associated with disease. The following publications have been ascertained in the context of this evaluation (PMID: 30228974, 31980395). ClinVar contains an entry for this variant (Variation ID: 555909). Based on the evidence outlined above, the variant was classified as pathogenic.

Fulgent Genetics
Classification: Likely pathogenic for Maple syrup urine disease type 1B. Last evaluated: 2024-06-15. Review status: criteria provided, single submitter. Criteria: ACMG Guidelines, 2015. Collection method: clinical testing. Allele origin: germline.

PreventionGenetics, part of Exact Sciences
Classification: Pathogenic for BCKDHB-related condition. Last evaluated: 2022-08-22. Review status: criteria provided, single submitter. Criteria: ACMG Guidelines, 2015. Collection method: clinical testing. Allele origin: germline.
Comment: The BCKDHB c.1159C>T variant is predicted to result in premature protein termination (p.Arg387*). This variant has been reported in the homozygous and compound heterozygous states in individuals with maple syrup urine disease (Ali et al. 2018. PubMed ID: 30228974; Strauss et al. 2020. PubMed ID: 31980395). This variant is reported in 0.038% of alleles in individuals of East Asian descent in gnomAD. Nonsense variants in BCKDHB are expected to be pathogenic, and this variant has been classified as pathogenic by multiple independent submitters to the ClinVar database. Given the evidence, we interpret c.1159C>T (p.Arg387*) as pathogenic.

Genome-Nilou Lab
Classification: Pathogenic for Maple syrup urine disease type 1A. Last evaluated: 2021-11-07. Review status: criteria provided, single submitter. Criteria: ACMG Guidelines, 2015. Collection method: clinical testing. Allele origin: germline. Affected: no.

Mendelics
Classification: Pathogenic for Maple syrup urine disease type 1A. Last evaluated: 2019-05-28. Review status: criteria provided, single submitter. Criteria: Mendelics Assertion Criteria 2017. Collection method: clinical testing. Allele origin: unknown.

Juno Genomics, Hangzhou Juno Genomics, Inc
Classification: Likely pathogenic for Maple syrup urine disease type 1B. Review status: criteria provided, single submitter. Criteria: ACMG Guidelines, 2015. Collection method: clinical testing. Allele origin: germline.
Comment: Absent from controls (or at extremely low frequency if recessive) in Genome Aggregation Database.;Null variant in a gene where loss of function (LOF) is a known mechanism of disease.;For recessive disorders, detected in trans with a pathogenic variant.;Patient's phenotype or family history is highly specific for a disease with a single genetic etiology.

Counsyl
Classification: Uncertain significance for Maple syrup urine disease type 1A. Last evaluated: 2018-01-05. Review status: no assertion criteria provided. Collection method: clinical testing. Allele origin: unknown. Not counted in ClinVar's aggregate classification.

SingHealth Duke-NUS Institute of Precision Medicine
Classification: Uncertain significance for Maple syrup urine disease type 1A. Last evaluated: 2017-06-07. Review status: flagged submission. Collection method: curation. Allele origin: germline. Affected: no. Not counted in ClinVar's aggregate classification.
ClinVar note: Reason: Outlier claim with insufficient supporting evidence

Literature cited by the submitters: PubMed 31980395 (cited by Natera, Inc. and Women's Health and Genetics/Laboratory Corporation of America, LabCorp); PubMed 30228974 (cited by Natera, Inc. and Women's Health and Genetics/Laboratory Corporation of America, LabCorp); PubMed 38837343 (cited by Natera, Inc.); PubMed 35611242 (cited by Natera, Inc.).

NM_183050.4(BCKDHB):c.1159C>T (p.Arg387Ter)

Gene: BCKDHB (branched chain keto acid dehydrogenase E1 subunit beta; plus strand). Cytogenetic location: 6q14.1.
Variant type: single nucleotide variant.
Coding change: c.1159C>T on transcript NM_183050.4 (MANE Select); coding-DNA position 1159, C replaced by T.
Protein change: p.Arg387Ter; replaces arginine 387 with a stop codon.
Molecular consequence: nonsense. On other transcripts: non-coding transcript variant (1).
Genome position (GRCh38, 1-based): chr6:80,343,784, C>T. VCF-style: chr6-80343784-C-T. GRCh37 (hg19) VCF-style: chr6-81053501-C-T.
Other names: c.1159C>T (NM_183050.3); c.1159C>T, p.Arg387Ter (NM_000056.5); c.949C>T, p.Arg317Ter (NM_001318975.1); short protein forms R387*, R317*.
Identifiers: ClinVar variation 555909 (VCV000555909.21), dbSNP rs751599203, ClinGen allele CA3902857.
Genomic context (GRCh38, chr6:80,343,784, plus strand): 5'-TTTCCTCACATTTTTGAACCATTCTACATCCCAGACAAATGGAAGTGTTATGATGCCCTT[C>T]GAAAAATGATCAACTATTGACCATATAGGTAGGTATGCATCTTGAGAAAGCTACTATGTG-3'